The following is an entry in ClinVar:

NM_001110556.2(FLNA):c.4124A>G (p.Lys1375Arg)

Gene: FLNA (filamin A; minus strand). Cytogenetic location: Xq28.
Variant type: single nucleotide variant.
Coding change: c.4124A>G on transcript NM_001110556.2 (MANE Select); coding-DNA position 4124, A replaced by G.
Protein change: p.Lys1375Arg; replaces lysine 1375 with arginine.
Molecular consequence: missense variant.
Genome position (GRCh38, 1-based): chrX:154,359,502, T>C on the plus strand (A>G on the coding strand, the complement: FLNA is on the minus strand). VCF-style: chrX-154359502-T-C. GRCh37 (hg19) VCF-style: chrX-153587870-T-C.
Other names: c.4124A>G (NM_001456.3); c.4124A>G, p.Lys1375Arg (NM_001456.4); short protein forms K1375R.
Identifiers: ClinVar variation 2059060 (VCV002059060.5), dbSNP rs1195914131, ClinGen allele CA415219359.

ClinVar aggregate classification (germline): Uncertain significance. Review status: criteria provided, multiple submitters, no conflicts (2 of 4 stars). 2 submissions from 2 submitters: Uncertain significance (2). Last evaluated 2025-04-01.

Conditions:
Oto-palato-digital syndrome, type II (OPD2). Also called: FACIOPALATOOSSEOUS SYNDROME; OPD II SYNDROME; Otopalatodigital Syndrome, Type II; Otopalatodigital Syndrome Type 2 (FLNA-OPD2). Identifiers: Orphanet 669, Orphanet 90652, MedGen C1844696, MONDO:0010571, OMIM 304120.
Frontometaphyseal dysplasia (FMD1). Identifiers: Orphanet 1826, MedGen C0265293, MONDO:0015942.
Melnick-Needles syndrome (MNS). Also called: MELNICK-NEEDLES OSTEODYSPLASTY; OSTEODYSPLASTY OF MELNICK AND NEEDLES; Melnick-Needles Syndrome (FLNA-MNS). Identifiers: Orphanet 2484, MedGen C0025237, MONDO:0010650, OMIM 309350.
Heterotopia, periventricular, X-linked dominant (PVNH1). Also called: PERIVENTRICULAR NODULAR HETEROTOPIA 1; PERIVENTRICULAR NODULAR HETEROTOPIA 4; HETEROTOPIA, PERIVENTRICULAR, 1; X-linked periventricular heterotopia. Identifiers: Orphanet 2149, Orphanet 82004, MedGen C1848213, MONDO:0010233, OMIM 300049.

Allele frequency attached by ClinVar (database versions not stated): gnomAD exomes below 0.00001; gnomAD 0.00001; TOPMed 0.00001.
gnomAD v4.1: 2 of 1,209,857 alleles (0.00017%); highest among the groups gnomAD compares: Admixed American, 0.0044%; no homozygotes.

Submissions (2):

Labcorp Genetics (formerly Invitae), Labcorp
Classification: Uncertain significance for Oto-palato-digital syndrome, type II; Heterotopia, periventricular, X-linked dominant; Frontometaphyseal dysplasia; Melnick-Needles syndrome. Last evaluated: 2025-04-01. Review status: criteria provided, single submitter. Criteria: Invitae Variant Classification Sherloc (09022015). Collection method: clinical testing. Allele origin: germline.
Comment: This sequence change replaces lysine, which is basic and polar, with arginine, which is basic and polar, at codon 1375 of the FLNA protein (p.Lys1375Arg). This variant is not present in population databases (gnomAD no frequency). This variant has not been reported in the literature in individuals affected with FLNA-related conditions. ClinVar contains an entry for this variant (Variation ID: 2059060). Invitae Evidence Modeling of protein sequence and biophysical properties (such as structural, functional, and spatial information, amino acid conservation, physicochemical variation, residue mobility, and thermodynamic stability) indicates that this missense variant is not expected to disrupt FLNA protein function with a negative predictive value of 95%. In summary, the available evidence is currently insufficient to determine the role of this variant in disease. Therefore, it has been classified as a Variant of Uncertain Significance.

GeneDx
Classification: Uncertain significance. Last evaluated: 2023-06-07. Review status: criteria provided, single submitter. Criteria: GeneDx Variant Classification Process June 2021. Collection method: clinical testing. Allele origin: germline. Affected: yes.
Comment: Not observed at significant frequency in large population cohorts (gnomAD); In silico analysis supports that this missense variant does not alter protein structure/function; Has not been previously published as pathogenic or benign to our knowledge